The following is an entry in ClinVar:

ClinVar aggregate classification (germline): Uncertain significance. Review status: criteria provided, multiple submitters, no conflicts (2 of 4 stars). 4 submissions from 4 submitters: Uncertain significance (4). Last evaluated 2024-12-05.

Conditions:
DICER1-related tumor predisposition. Also called: DICER1-related pleuropulmonary blastoma cancer predisposition syndrome; DICER1 syndrome. Identifiers: Orphanet 284343, MedGen C3839822, MONDO:0100216.
Global developmental delay - lung cysts - overgrowth - Wilms tumor syndrome. Also called: GLOBAL DEVELOPMENTAL DELAY, LUNG CYSTS, OVERGROWTH, AND WILMS TUMOR; GLOW Syndrome. Identifiers: Orphanet 404476, MedGen C4748924, MONDO:0018445, OMIM 618272.
Hereditary cancer-predisposing syndrome. Also called: Hereditary Cancer Syndrome; Neoplastic Syndromes, Hereditary; Hereditary neoplastic syndrome; Tumor predisposition. Identifiers: Orphanet 140162, MedGen C0027672, MeSH D009386, MONDO:0015356.

Allele frequency attached by ClinVar (database versions not stated): TOPMed below 0.00001.

Submissions (4):

GeneDx
Classification: Uncertain significance. Last evaluated: 2024-12-05. Review status: criteria provided, single submitter. Criteria: GeneDx Variant Classification Process June 2021. Collection method: clinical testing. Allele origin: germline. Affected: yes.
Comment: Not observed at significant frequency in large population cohorts (gnomAD); In silico analysis indicates that this missense variant does not alter protein structure/function; Has not been previously published as pathogenic or benign to our knowledge

Labcorp Genetics (formerly Invitae), Labcorp
Classification: Uncertain significance for DICER1-related tumor predisposition. Last evaluated: 2024-09-01. Review status: criteria provided, single submitter. Criteria: Invitae Variant Classification Sherloc (09022015). Collection method: clinical testing. Allele origin: germline.
Comment: This sequence change replaces glutamine, which is neutral and polar, with proline, which is neutral and non-polar, at codon 488 of the DICER1 protein (p.Gln488Pro). This variant is not present in population databases (gnomAD no frequency). This variant has not been reported in the literature in individuals affected with DICER1-related conditions. ClinVar contains an entry for this variant (Variation ID: 819283). Invitae Evidence Modeling of protein sequence and biophysical properties (such as structural, functional, and spatial information, amino acid conservation, physicochemical variation, residue mobility, and thermodynamic stability) indicates that this missense variant is not expected to disrupt DICER1 protein function with a negative predictive value of 80%. In summary, the available evidence is currently insufficient to determine the role of this variant in disease. Therefore, it has been classified as a Variant of Uncertain Significance.

Ambry Genetics
Classification: Uncertain significance for Hereditary cancer-predisposing syndrome. Last evaluated: 2024-03-14. Review status: criteria provided, single submitter. Criteria: Ambry Variant Classification Scheme 2023. Collection method: clinical testing. Allele origin: germline.
Comment: The p.Q488P variant (also known as c.1463A>C), located in coding exon 8 of the DICER1 gene, results from an A to C substitution at nucleotide position 1463. The glutamine at codon 488 is replaced by proline, an amino acid with similar properties. This amino acid position is highly conserved in available vertebrate species. In addition, the in silico prediction for this alteration is inconclusive. Based on the available evidence, the clinical significance of this alteration remains unclear.

Baylor Genetics
Classification: Uncertain significance for Global developmental delay - lung cysts - overgrowth - Wilms tumor syndrome. Last evaluated: 2023-08-20. Review status: criteria provided, single submitter. Criteria: ACMG Guidelines, 2015. Collection method: clinical testing. Allele origin: unknown.

NM_177438.3(DICER1):c.1463A>C (p.Gln488Pro)

Gene: DICER1 (dicer 1, ribonuclease III; minus strand). Cytogenetic location: 14q32.13.
Variant type: single nucleotide variant.
Coding change: c.1463A>C on transcript NM_177438.3 (MANE Select); coding-DNA position 1463, A replaced by C.
Protein change: p.Gln488Pro; replaces glutamine 488 with proline.
Molecular consequence: missense variant.
Genome position (GRCh38, 1-based): chr14:95,117,668, T>G on the plus strand (A>C on the coding strand, the complement: DICER1 is on the minus strand). VCF-style: chr14-95117668-T-G. GRCh37 (hg19) VCF-style: chr14-95584005-T-G.
Other names: c.1463A>C, p.Gln488Pro (NM_001195573.1, NM_001271282.3, NM_001291628.2 and 1 more transcripts); short protein forms Q488P.
Identifiers: ClinVar variation 819283 (VCV000819283.8), dbSNP rs1595415285, ClinGen allele CA390885513.